The following is an entry in ClinVar:

ClinVar aggregate classification (germline): Uncertain significance (1 of 4 stars; one submission).

Submission:

GeneDx
Classification: Uncertain significance. Last evaluated: 2026-03-06. Review status: criteria provided, single submitter. Criteria: GeneDx Variant Classification Process June 2021. Collection method: clinical testing. Allele origin: germline.
Comment: Not observed at significant frequency in large population cohorts (gnomAD); In silico analysis supports that this missense variant has a deleterious effect on protein structure/function; Has not been previously published as pathogenic or benign to our knowledge

NM_004415.4(DSP):c.8092T>A (p.Phe2698Ile)

Gene: DSP (desmoplakin; plus strand). Cytogenetic location: 6p24.3.
Variant type: single nucleotide variant.
Coding change: c.8092T>A on transcript NM_004415.4 (MANE Select); coding-DNA position 8092, T replaced by A.
Protein change: p.Phe2698Ile; replaces phenylalanine 2698 with isoleucine.
Molecular consequence: missense variant.
Genome position (GRCh38, 1-based): chr6:7,585,354, T>A. VCF-style: chr6-7585354-T-A. GRCh37 (hg19) VCF-style: chr6-7585587-T-A.
Other names: c.6295T>A, p.Phe2099Ile (NM_001008844.3); c.6763T>A, p.Phe2255Ile (NM_001319034.2); short protein forms F2698I, F2099I, F2255I.
Identifiers: ClinVar variation 5008498 (VCV005008498.1).